The following is an entry in ClinVar:

ClinVar aggregate classification (germline): Likely pathogenic (1 of 4 stars; one submission).

Submission:

Labcorp Genetics (formerly Invitae), Labcorp
Classification: Likely pathogenic. Last evaluated: 2025-11-08. Review status: criteria provided, single submitter. Criteria: Invitae Variant Classification Sherloc (09022015). Collection method: clinical testing. Allele origin: germline.
Comment: This sequence change affects a donor splice site in intron 30 of the VPS13A gene. It is expected to disrupt RNA splicing. Variants that disrupt the donor or acceptor splice site typically lead to a loss of protein function (PMID: 16199547), and loss-of-function variants in VPS13A are known to be pathogenic (PMID: 12404112, 21598378). This variant is not present in population databases (gnomAD no frequency). This variant has not been reported in the literature in individuals affected with VPS13A-related conditions. Algorithms developed to predict the effect of sequence changes on RNA splicing suggest that this variant may disrupt the consensus splice site. In summary, the currently available evidence indicates that the variant is pathogenic, but additional data are needed to prove that conclusively. Therefore, this variant has been classified as Likely Pathogenic.

Literature cited by the submitters: PubMed 16199547; PubMed 12404112; PubMed 21598378.

NM_033305.3(VPS13A):c.3235+1G>A

Gene: VPS13A (vacuolar protein sorting 13 homolog A; plus strand). Cytogenetic location: 9q21.2.
Variant type: single nucleotide variant.
Coding change: c.3235+1G>A on transcript NM_033305.3 (MANE Select); the canonical splice donor site of the intron after coding-DNA position 3235, G replaced by A.
Molecular consequence: splice donor variant. On other transcripts: intron variant (1).
Genome position (GRCh38, 1-based): chr9:77,283,472, G>A. VCF-style: chr9-77283472-G-A. GRCh37 (hg19) VCF-style: chr9-79898388-G-A.
Other names: c.3119-75G>A (NM_001018037.2); c.3235+1G>A (NM_015186.4, NM_001018038.3).
Identifiers: ClinVar variation 4730691 (VCV004730691.1).